The following is an entry in ClinVar:

ClinVar aggregate classification (germline): Uncertain significance (1 of 4 stars; one submission).

Submission:

Labcorp Genetics (formerly Invitae), Labcorp
Classification: Uncertain significance. Last evaluated: 2023-07-17. Review status: criteria provided, single submitter. Criteria: Invitae Variant Classification Sherloc (09022015). Collection method: clinical testing. Allele origin: germline.
Comment: This sequence change replaces methionine, which is neutral and non-polar, with threonine, which is neutral and polar, at codon 1206 of the APC2 protein (p.Met1206Thr). In summary, the available evidence is currently insufficient to determine the role of this variant in disease. Therefore, it has been classified as a Variant of Uncertain Significance. Advanced modeling of protein sequence and biophysical properties (such as structural, functional, and spatial information, amino acid conservation, physicochemical variation, residue mobility, and thermodynamic stability) performed at Invitae indicates that this missense variant is expected to disrupt APC2 protein function. This variant has not been reported in the literature in individuals affected with APC2-related conditions. This variant is not present in population databases (gnomAD no frequency).

NM_005883.3(APC2):c.3617T>C (p.Met1206Thr)

Gene: APC2 (APC regulator of Wnt signaling pathway 2; plus strand). Cytogenetic location: 19p13.3.
Variant type: single nucleotide variant.
Coding change: c.3617T>C on transcript NM_005883.3 (MANE Select); coding-DNA position 3617, T replaced by C.
Protein change: p.Met1206Thr; replaces methionine 1206 with threonine.
Molecular consequence: missense variant.
Genome position (GRCh38, 1-based): chr19:1,466,918, T>C. VCF-style: chr19-1466918-T-C. GRCh37 (hg19) VCF-style: chr19-1466917-T-C.
Other names: c.3614T>C, p.Met1205Thr (NM_001351273.1); short protein forms M1205T, M1206T.
Identifiers: ClinVar variation 2800148 (VCV002800148.3), dbSNP rs2512525319, ClinGen allele CA403031159.
Genomic context (GRCh38, chr19:1,466,918, plus strand): 5'-GCGGGCAGGGCAGCGGCACCATCAGCCCTAGCGAGCTGCCCGACAGCCCCGGACAGACCA[T>C]GCCTCCCAGCCGGAGCAAGACGCCACCGCTGGCGCCCGCGCCACAGGGTCCCCCCGAGGC-3'
Protein context (NP_005874.1, residues 1196-1216): SELPDSPGQT[Met1206Thr]PPSRSKTPPL